The following is an entry in ClinVar:

NM_005869.4(CWC27):c.1291A>G (p.Arg431Gly)

Gene: CWC27 (CWC27 spliceosome associated cyclophilin; plus strand). Cytogenetic location: 5q12.3.
Variant type: single nucleotide variant.
Coding change: c.1291A>G on transcript NM_005869.4 (MANE Select); coding-DNA position 1291, A replaced by G.
Protein change: p.Arg431Gly; replaces arginine 431 with glycine.
Molecular consequence: missense variant. On other transcripts: 3 prime UTR variant (1).
Genome position (GRCh38, 1-based): chr5:65,018,193, A>G. VCF-style: chr5-65018193-A-G. GRCh37 (hg19) VCF-style: chr5-64314020-A-G.
Other names: c.*11A>G (NM_001297644.1); short protein forms R431G.
Identifiers: ClinVar variation 1449353 (VCV001449353.6), dbSNP rs1253121747, ClinGen allele CA359961593.

ClinVar aggregate classification (germline): Uncertain significance (1 of 4 stars; one submission).

Submission:

Labcorp Genetics (formerly Invitae), Labcorp
Classification: Uncertain significance. Last evaluated: 2021-11-16. Review status: criteria provided, single submitter. Criteria: Invitae Variant Classification Sherloc (09022015). Collection method: clinical testing. Allele origin: germline.
Comment: In summary, the available evidence is currently insufficient to determine the role of this variant in disease. Therefore, it has been classified as a Variant of Uncertain Significance. Algorithms developed to predict the effect of missense changes on protein structure and function (SIFT, PolyPhen-2, Align-GVGD) all suggest that this variant is likely to be tolerated. This variant has not been reported in the literature in individuals affected with CWC27-related conditions. This variant is not present in population databases (gnomAD no frequency). This sequence change replaces arginine, which is basic and polar, with glycine, which is neutral and non-polar, at codon 431 of the CWC27 protein (p.Arg431Gly).